The following is an entry in ClinVar:

NM_001042681.2(RERE):c.4050C>G (p.His1350Gln)

Gene: RERE (arginine-glutamic acid dipeptide repeats; minus strand). Cytogenetic location: 1p36.23.
Variant type: single nucleotide variant.
Coding change: c.4050C>G on transcript NM_001042681.2 (MANE Select); coding-DNA position 4050, C replaced by G.
Protein change: p.His1350Gln; replaces histidine 1350 with glutamine.
Molecular consequence: missense variant.
Genome position (GRCh38, 1-based): chr1:8,358,485, G>C on the plus strand (C>G on the coding strand, the complement: RERE is on the minus strand). VCF-style: chr1-8358485-G-C. GRCh37 (hg19) VCF-style: chr1-8418545-G-C.
Other names: c.2388C>G, p.His796Gln (NM_001042682.2); c.4050C>G, p.His1350Gln (NM_012102.4); short protein forms H1350Q, H796Q.
Identifiers: ClinVar variation 2501965 (VCV002501965.1), dbSNP rs1260124916, ClinGen allele CA338169303.

ClinVar aggregate classification (germline): Uncertain significance (1 of 4 stars; one submission).

Allele frequency attached by ClinVar (database versions not stated): gnomAD exomes below 0.00001; TOPMed 0.00001.
gnomAD v4.1: 2 of 1,587,482 alleles (0.00013%); highest among the groups gnomAD compares: Non-Finnish European, 0.00017%; no homozygotes.

Submission:

GeneDx
Classification: Uncertain significance. Last evaluated: 2022-11-16. Review status: criteria provided, single submitter. Criteria: GeneDx Variant Classification Process June 2021. Collection method: clinical testing. Allele origin: germline. Affected: yes.
Comment: Not observed at significant frequency in large population cohorts (gnomAD); In silico analysis supports that this missense variant has a deleterious effect on protein structure/function; Has not been previously published as pathogenic or benign to our knowledge